The following is an entry in ClinVar:

ClinVar aggregate classification (germline): Uncertain significance (1 of 4 stars; one submission).

Conditions:
Dilated cardiomyopathy 1W (CMD1W). Identifiers: Orphanet 154, MedGen C1969639, MONDO:0012667, OMIM 611407.

Submission:

Labcorp Genetics (formerly Invitae), Labcorp
Classification: Uncertain significance for Dilated cardiomyopathy 1W. Last evaluated: 2023-03-08. Review status: criteria provided, single submitter. Criteria: Invitae Variant Classification Sherloc (09022015). Collection method: clinical testing. Allele origin: germline.
Comment: This variant is not present in population databases (gnomAD no frequency). This sequence change replaces tyrosine, which is neutral and polar, with histidine, which is basic and polar, at codon 537 of the VCL protein (p.Tyr537His). This variant has not been reported in the literature in individuals affected with VCL-related conditions. In summary, the available evidence is currently insufficient to determine the role of this variant in disease. Therefore, it has been classified as a Variant of Uncertain Significance. An algorithm developed to predict the effect of missense changes on protein structure and function (PolyPhen-2) suggests that this variant is likely to be disruptive.

NM_014000.3(VCL):c.1609T>C (p.Tyr537His)

Gene: VCL (vinculin; plus strand). Cytogenetic location: 10q22.2.
Variant type: single nucleotide variant.
Coding change: c.1609T>C on transcript NM_014000.3 (MANE Select); coding-DNA position 1609, T replaced by C.
Protein change: p.Tyr537His; replaces tyrosine 537 with histidine.
Molecular consequence: missense variant.
Genome position (GRCh38, 1-based): chr10:74,095,721, T>C. VCF-style: chr10-74095721-T-C. GRCh37 (hg19) VCF-style: chr10-75855479-T-C.
Other names: c.1609T>C, p.Tyr537His (NM_003373.4); short protein forms Y537H.
Identifiers: ClinVar variation 2804315 (VCV002804315.3), dbSNP rs2549226336, ClinGen allele CA377274472.